The following is an entry in ClinVar:

ClinVar aggregate classification (germline): Uncertain significance (1 of 4 stars; one submission).

Conditions:
Autoimmune lymphoproliferative syndrome type 1. Also called: AUTOIMMUNE LYMPHOPROLIFERATIVE SYNDROME, TYPE I, AUTOSOMAL DOMINANT. Identifiers: Orphanet 3261, MedGen C2717884, MONDO:0011158, OMIM 601859.

Submission:

Labcorp Genetics (formerly Invitae), Labcorp
Classification: Uncertain significance for Autoimmune lymphoproliferative syndrome. Last evaluated: 2025-10-14. Review status: criteria provided, single submitter. Criteria: Invitae Variant Classification Sherloc (09022015). Collection method: clinical testing. Allele origin: germline.
Comment: This sequence change replaces glutamic acid, which is acidic and polar, with glutamine, which is neutral and polar, at codon 167 of the FAS protein (p.Glu167Gln). This variant is not present in population databases (gnomAD no frequency). This variant has not been reported in the literature in individuals affected with FAS-related conditions. An algorithm developed to predict the effect of missense changes on protein structure and function outputs the following: PolyPhen-2: "Benign". The glutamine amino acid residue is found in multiple mammalian species, which suggests that this missense change does not adversely affect protein function. In summary, the available evidence is currently insufficient to determine the role of this variant in disease. Therefore, it has been classified as a Variant of Uncertain Significance.

NM_000043.6(FAS):c.499G>C (p.Glu167Gln)

Gene: FAS (Fas cell surface death receptor; plus strand). Cytogenetic location: 10q23.31.
Variant type: single nucleotide variant.
Coding change: c.499G>C on transcript NM_000043.6 (MANE Select); coding-DNA position 499, G replaced by C.
Protein change: p.Glu167Gln; replaces glutamic acid 167 with glutamine.
Molecular consequence: missense variant. On other transcripts: non-coding transcript variant (7).
Genome position (GRCh38, 1-based): chr10:89,010,594, G>C. VCF-style: chr10-89010594-G-C. GRCh37 (hg19) VCF-style: chr10-90770351-G-C.
Other names: c.499G>C, p.Glu167Gln (NM_001320619.2, NM_152871.4, NM_152872.4); c.544G>C, p.Glu182Gln (NM_001410956.1); short protein forms E182Q, E167Q.
Identifiers: ClinVar variation 4745955 (VCV004745955.1).
Genomic context (GRCh38, chr10:89,010,594, plus strand): 5'-TCTAGATGTGAACATGGAATCATCAAGGAATGCACACTCACCAGCAACACCAAGTGCAAA[G>C]AGGAAGGTAATTATTTTTTTACGGTTATATTCTCCTTTCCCCCAACCCCATGGAAAGATG-3'
Protein context (NP_000034.1, residues 157-177): CTLTSNTKCK[Glu167Gln]EGSRSNLGWL